The following is an entry in ClinVar:

ClinVar aggregate classification (germline): Uncertain significance (1 of 4 stars; one submission).

Conditions:
LEOPARD syndrome 2 (LPRD2). Also called: RAF1-Related LEOPARD Syndrome. Identifiers: Orphanet 500, MedGen C1969056, MONDO:0012691, OMIM 611554.
Dilated cardiomyopathy 1NN. Identifiers: Orphanet 154, MedGen C4014656, MONDO:0014396, OMIM 615916.
Noonan syndrome 5 (NS5). Also called: RAF1-Related Noonan Syndrome. Identifiers: Orphanet 648, MedGen C1969057, MONDO:0012690, OMIM 611553. Disease mechanism: gain of function.

Submission:

Juno Genomics, Hangzhou Juno Genomics, Inc
Classification: Uncertain significance for Dilated cardiomyopathy 1NN; LEOPARD syndrome 2; Noonan syndrome 5. Review status: criteria provided, single submitter. Criteria: ACMG Guidelines, 2015. Collection method: clinical testing. Allele origin: germline. Affected: yes.
Comment: Absent from controls (or at extremely low frequency if recessive) in Genome Aggregation Database, Exome Sequencing Project, 1000 Genomes Project, or Exome Aggregation Consortium.;Multiple lines of computational evidence support a deleterious effect on the gene or gene product (conservation, evolutionary, splicing impact, etc).;Patient's phenotype or family history is highly specific for a disease with a single genetic etiology.

NM_002880.4(RAF1):c.834+650A>C

Gene: RAF1 (Raf-1 proto-oncogene, serine/threonine kinase; minus strand). Cytogenetic location: 3p25.2.
Variant type: single nucleotide variant.
Coding change: c.834+650A>C on transcript NM_002880.4 (MANE Select); 650 bases into the intron after coding-DNA position 834, A replaced by C.
Molecular consequence: intron variant. On other transcripts: synonymous variant (2).
Genome position (GRCh38, 1-based): chr3:12,603,486, T>G on the plus strand (A>C on the coding strand, the complement: RAF1 is on the minus strand). VCF-style: chr3-12603486-T-G. GRCh37 (hg19) VCF-style: chr3-12644985-T-G.
Other names: c.886A>C, p.Arg296= (NM_001354689.3); c.643A>C, p.Arg215= (NM_001354694.3); c.492+650A>C (NM_001354695.3); c.591+650A>C (NM_001354692.3, NM_001354691.3); c.735+650A>C (NM_001354693.3); c.834+650A>C (NM_001354690.3).
Identifiers: ClinVar variation 4531293 (VCV004531293.1).